The following is an entry in ClinVar:

NM_173849.3(GSC):c.241AAC[1] (p.Asn82del)

Gene: GSC (goosecoid homeobox; minus strand). Cytogenetic location: 14q32.13.
Variant type: Microsatellite.
Coding change: c.241AAC[1] on transcript NM_173849.3 (MANE Select); one copy of the 3-base unit AAC starting at c.241; the reference has two copies in a row; one copy, 3 bases deleted.
Protein change: p.Asn82del; deletes asparagine 82.
Molecular consequence: inframe deletion.
Genome position (GRCh38, 1-based): chr14:94,769,770-94,769,772, GTT deleted on the plus strand (AAC on the coding strand, the reverse complement: GSC is on the minus strand); deleting any 3 consecutive bases within chr14:94,769,770-94,769,777 gives the same sequence; the position shown is the placement nearest the transcript's 3' end. VCF-style (leftmost placement, unchanged base first): chr14-94769769-AGTT-A. GRCh37 (hg19) VCF-style: chr14-95236106-AGTT-A.
Other names: short protein forms N82del.
Identifiers: ClinVar variation 2095967 (VCV002095967.4), dbSNP rs917779883, ClinGen allele CA265934404.
Genomic context (GRCh38, chr14:94,769,769, plus strand): 5'-CGGCCCCGCAGCAGGCCGGGCCCACGGGCGCCGCCTGCACGTGCAGCTGCCCGTAGAAGT[AGTT>A]GTTGTAGCCGAGGCGGGAGCCGCTGACCGCGGCCGGGAGGCCCGCGCCGCCGGGGGCCAC-3'

ClinVar aggregate classification (germline): Uncertain significance (1 of 4 stars; one submission).

Submission:

Labcorp Genetics (formerly Invitae), Labcorp
Classification: Uncertain significance. Last evaluated: 2022-03-27. Review status: criteria provided, single submitter. Criteria: Invitae Variant Classification Sherloc (09022015). Collection method: clinical testing. Allele origin: germline.
Comment: This variant has not been reported in the literature in individuals affected with GSC-related conditions. In summary, the available evidence is currently insufficient to determine the role of this variant in disease. Therefore, it has been classified as a Variant of Uncertain Significance. Experimental studies and prediction algorithms are not available or were not evaluated, and the functional significance of this variant is currently unknown. This variant is present in population databases (no rsID available, gnomAD 0.007%). This variant, c.244_246del, results in the deletion of 1 amino acid(s) of the GSC protein (p.Asn82del), but otherwise preserves the integrity of the reading frame.